The following is an entry in ClinVar:

NM_000043.6(FAS):c.664del (p.Ala221_Ile222insTer)

Gene: FAS (Fas cell surface death receptor; plus strand). Cytogenetic location: 10q23.31.
Variant type: Deletion.
Coding change: c.664del on transcript NM_000043.6 (MANE Select); coding-DNA position 664, one base deleted (A; older notation c.664delA).
Protein change: p.Ala221_Ile222insTer.
Molecular consequence: nonsense. On other transcripts: frameshift variant (1), non-coding transcript variant (7), intron variant (1).
Genome position (GRCh38, 1-based): chr10:89,013,355, A deleted; the last of 2 consecutive A bases (chr10:89,013,354-89,013,355); deleting either gives the same sequence. VCF-style (leftmost placement, unchanged base first): chr10-89013353-CA-C. GRCh37 (hg19) VCF-style: chr10-90773110-CA-C.
Other names: c.581del, p.Asn194fs (NM_001320619.2); c.601del, p.Ala200_Ile201insTer (NM_152871.4); c.652-764del (NM_152872.4); short protein forms N194fs.
Identifiers: ClinVar variation 504442 (VCV000504442.2), dbSNP rs1554852090, ClinGen allele CA658797512.

ClinVar aggregate classification (germline): Likely pathogenic (1 of 4 stars; one submission).

Submission:

GeneDx
Classification: Likely pathogenic. Last evaluated: 2018-02-26. Review status: criteria provided, single submitter. Criteria: GeneDx Variant Classification (06012015). Collection method: clinical testing. Allele origin: germline. Affected: yes.
Comment: The I222X variant has not been published as a pathogenic variant, nor has it been reported as a benign variant to our knowledge. The variant is not observed in large population cohorts (Lek et al., 2016). The nonsense variant is predicted to cause loss of normal protein function through protein truncation. In summary, we consider this variant to be likely pathogenic.